The following is an entry in ClinVar:

ClinVar aggregate classification (germline): Conflicting classifications of pathogenicity. Review status: criteria provided, conflicting classifications (1 of 4 stars). 4 submissions from 4 submitters: Uncertain significance (2); Likely benign (2). Last evaluated 2025-10-08.

Allele frequency attached by ClinVar (database versions not stated): gnomAD exomes 0.00016 and 0.00035; gnomAD 0.00017 and 0.00019; TOPMed 0.00024; ExAC 0.00026; ESP Exome Variant Server 0.00008.
gnomAD v4.1: 281 of 1,611,038 alleles (0.017%); highest among the groups gnomAD compares: Admixed American, 0.035%; no homozygotes.

Submissions (4):

Labcorp Genetics (formerly Invitae), Labcorp
Classification: Likely benign. Last evaluated: 2025-10-08. Review status: criteria provided, single submitter. Criteria: Invitae Variant Classification Sherloc (09022015). Collection method: clinical testing. Allele origin: germline.

CeGaT Center for Human Genetics Tuebingen
Classification: Likely benign. Last evaluated: 2024-02-01. Review status: criteria provided, single submitter. Criteria: CeGaT Center For Human Genetics Tuebingen Variant Classification Criteria Version 2. Collection method: clinical testing. Allele origin: germline. Affected: yes. Observed: 1 variant allele.
Comment: NIN: BP4

Ambry Genetics
Classification: Uncertain significance. Last evaluated: 2021-06-11. Review status: criteria provided, single submitter. Criteria: Ambry Variant Classification Scheme 2023. Collection method: clinical testing. Allele origin: germline.

Genetic Services Laboratory, University of Chicago
Classification: Uncertain significance. Last evaluated: 2015-08-13. Review status: criteria provided, single submitter. Criteria: ACMG Guidelines, 2015. Collection method: clinical testing. Allele origin: germline. Affected: no.

NM_020921.4(NIN):c.1991C>T (p.Thr664Ile)

Genes: NIN (ninein; minus strand), LOC130055602 (ATAC-STARR-seq lymphoblastoid active region 8362; plus strand). Cytogenetic location: 14q22.1.
Variant type: single nucleotide variant.
Coding change: c.1991C>T on transcript NM_020921.4 (MANE Select); coding-DNA position 1991, C replaced by T.
Protein change: p.Thr664Ile; replaces threonine 664 with isoleucine.
Molecular consequence: missense variant.
Genome position (GRCh38, 1-based): chr14:50,760,265, G>A on the plus strand (C>T on the coding strand, the complement: NIN is on the minus strand). VCF-style: chr14-50760265-G-A. GRCh37 (hg19) VCF-style: chr14-51226983-G-A.
Other names: c.1991C>T, p.Thr664Ile (NM_016350.5, NM_182944.3, NM_182946.2); short protein forms T664I.
Identifiers: ClinVar variation 436001 (VCV000436001.33), dbSNP rs147946706, ClinGen allele CA7182020.